The following is an entry in ClinVar:

ClinVar aggregate classification (germline): Uncertain significance (1 of 4 stars; one submission).

gnomAD v4.1: 3 of 1,552,754 alleles (0.00019%); highest among the groups gnomAD compares: African/African-American, 0.0027%; no homozygotes.

Submission:

GeneDx
Classification: Uncertain significance. Last evaluated: 2023-12-02. Review status: criteria provided, single submitter. Criteria: GeneDx Variant Classification Process June 2021. Collection method: clinical testing. Allele origin: germline. Affected: yes.
Comment: Not observed at significant frequency in large population cohorts (gnomAD); In silico analysis supports that this missense variant has a deleterious effect on protein structure/function; Has not been previously published as pathogenic or benign to our knowledge

NM_001042681.2(RERE):c.3212C>G (p.Ser1071Cys)

Gene: RERE (arginine-glutamic acid dipeptide repeats; minus strand). Cytogenetic location: 1p36.23.
Variant type: single nucleotide variant.
Coding change: c.3212C>G on transcript NM_001042681.2 (MANE Select); coding-DNA position 3212, C replaced by G.
Protein change: p.Ser1071Cys; replaces serine 1071 with cysteine.
Molecular consequence: missense variant.
Genome position (GRCh38, 1-based): chr1:8,360,295, G>C on the plus strand (C>G on the coding strand, the complement: RERE is on the minus strand). VCF-style: chr1-8360295-G-C. GRCh37 (hg19) VCF-style: chr1-8420355-G-C.
Other names: c.1550C>G, p.Ser517Cys (NM_001042682.2); c.3212C>G, p.Ser1071Cys (NM_012102.4); short protein forms S1071C, S517C.
Identifiers: ClinVar variation 3365245 (VCV003365245.1).